The following is an entry in ClinVar:

NM_144643.4(SCLT1):c.290+6T>A

Gene: SCLT1 (sodium channel and clathrin linker 1; minus strand). Cytogenetic location: 4q28.2.
Variant type: single nucleotide variant.
Coding change: c.290+6T>A on transcript NM_144643.4 (MANE Select); 6 bases into the intron after coding-DNA position 290, T replaced by A.
Molecular consequence: intron variant.
Genome position (GRCh38, 1-based): chr4:129,039,035, A>T on the plus strand (T>A on the coding strand, the complement: SCLT1 is on the minus strand). VCF-style: chr4-129039035-A-T. GRCh37 (hg19) VCF-style: chr4-129960190-A-T.
Other names: c.290+6T>A (NM_001300898.2, NM_144643.3).
Identifiers: ClinVar variation 1419889 (VCV001419889.5), dbSNP rs527614791, ClinGen allele CA3080016.

ClinVar aggregate classification (germline): Conflicting classifications of pathogenicity. Review status: criteria provided, conflicting classifications (1 of 4 stars). 2 submissions from 2 submitters: Uncertain significance (1); Likely benign (1). Last evaluated 2024-12-05.

Conditions:
SCLT1-related disorder. Also called: SCLT1-related condition.

Allele frequency attached by ClinVar (database versions not stated): gnomAD exomes below 0.00001 and 0.00001; ExAC 0.00002; gnomAD 0.00005 and 0.00006; 1000 Genomes Project 30x 0.00016; 1000 Genomes Project 0.00020; TOPMed 0.00020.
gnomAD v4.1: 24 of 1,487,456 alleles (0.0016%); highest among the groups gnomAD compares: African/African-American, 0.014%; no homozygotes.

Submissions (2):

PreventionGenetics, part of Exact Sciences
Classification: Likely benign for SCLT1-related condition. Last evaluated: 2024-12-05. Review status: criteria provided, single submitter. Criteria: ACMG Guidelines, 2015. Collection method: clinical testing. Allele origin: germline.
Comment: This variant is classified as likely benign based on ACMG/AMP sequence variant interpretation guidelines (Richards et al. 2015 PMID: 25741868, with internal and published modifications).

Labcorp Genetics (formerly Invitae), Labcorp
Classification: Uncertain significance. Last evaluated: 2024-10-26. Review status: criteria provided, single submitter. Criteria: Invitae Variant Classification Sherloc (09022015). Collection method: clinical testing. Allele origin: germline.
Comment: This sequence change falls in intron 5 of the SCLT1 gene. It does not directly change the encoded amino acid sequence of the SCLT1 protein. It affects a nucleotide within the consensus splice site. This variant is present in population databases (rs527614791, gnomAD 0.01%). This variant has not been reported in the literature in individuals affected with SCLT1-related conditions. ClinVar contains an entry for this variant (Variation ID: 1419889). Variants that disrupt the consensus splice site are a relatively common cause of aberrant splicing (PMID: 17576681, 9536098). Algorithms developed to predict the effect of sequence changes on RNA splicing suggest that this variant is not likely to affect RNA splicing. In summary, the available evidence is currently insufficient to determine the role of this variant in disease. Therefore, it has been classified as a Variant of Uncertain Significance.

Literature cited by the submitters: PubMed 17576681 (cited by Labcorp Genetics (formerly Invitae), Labcorp); PubMed 9536098 (cited by Labcorp Genetics (formerly Invitae), Labcorp).